The following is an entry in ClinVar:

NM_004836.7(EIF2AK3):c.2876T>C (p.Val959Ala)

Genes: EIF2AK3 (eukaryotic translation initiation factor 2 alpha kinase 3; minus strand), EIF2AK3-AS1 (EIF2AK3 antisense RNA 1; plus strand). Cytogenetic location: 2p11.2.
Variant type: single nucleotide variant.
Coding change: c.2876T>C on transcript NM_004836.7 (MANE Select); coding-DNA position 2876, T replaced by C.
Protein change: p.Val959Ala; replaces valine 959 with alanine.
Molecular consequence: missense variant.
Genome position (GRCh38, 1-based): chr2:88,570,983, A>G on the plus strand (T>C on the coding strand, the complement: EIF2AK3 is on the minus strand). VCF-style: chr2-88570983-A-G. GRCh37 (hg19) VCF-style: chr2-88870501-A-G.
Other names: c.2423T>C, p.Val808Ala (NM_001313915.2); short protein forms V808A, V959A.
Identifiers: ClinVar variation 2005324 (VCV002005324.1), dbSNP rs2529117201, ClinGen allele CA347587171.

ClinVar aggregate classification (germline): Uncertain significance (1 of 4 stars; one submission).

Submission:

Labcorp Genetics (formerly Invitae), Labcorp
Classification: Uncertain significance. Last evaluated: 2022-07-07. Review status: criteria provided, single submitter. Criteria: Invitae Variant Classification Sherloc (09022015). Collection method: clinical testing. Allele origin: germline.
Comment: This sequence change replaces valine, which is neutral and non-polar, with alanine, which is neutral and non-polar, at codon 959 of the EIF2AK3 protein (p.Val959Ala). This variant is not present in population databases (gnomAD no frequency). This variant has not been reported in the literature in individuals affected with EIF2AK3-related conditions. Algorithms developed to predict the effect of missense changes on protein structure and function are either unavailable or do not agree on the potential impact of this missense change (SIFT: "Tolerated"; PolyPhen-2: "Probably Damaging"; Align-GVGD: "Class C0"). In summary, the available evidence is currently insufficient to determine the role of this variant in disease. Therefore, it has been classified as a Variant of Uncertain Significance.